The following is an entry in ClinVar:

ClinVar aggregate classification (germline): Pathogenic (1 of 4 stars; one submission).

Submission:

Labcorp Genetics (formerly Invitae), Labcorp
Classification: Pathogenic. Last evaluated: 2025-02-10. Review status: criteria provided, single submitter. Criteria: Invitae Variant Classification Sherloc (09022015). Collection method: clinical testing. Allele origin: germline.
Comment: This sequence change creates a premature translational stop signal (p.Gln124*) in the RS1 gene. It is expected to result in an absent or disrupted protein product. Loss-of-function variants in RS1 are known to be pathogenic (PMID: 9618178, 17172462). This variant is not present in population databases (gnomAD no frequency). This premature translational stop signal has been observed in individual(s) with retinoschisis (PMID: 24505212). ClinVar contains an entry for this variant (Variation ID: 1408493). Algorithms developed to predict the effect of sequence changes on RNA splicing suggest that this variant may disrupt the consensus splice site. For these reasons, this variant has been classified as Pathogenic.

Literature cited by the submitters: PubMed 9618178; PubMed 17172462; PubMed 24505212.

NM_000330.4(RS1):c.370C>T (p.Gln124Ter)

Genes: CDKL5 (cyclin dependent kinase like 5; plus strand), RS1 (retinoschisin 1; minus strand). Cytogenetic location: Xp22.13.
Variant type: single nucleotide variant.
Coding change: c.370C>T on transcript NM_000330.4 (MANE Select); coding-DNA position 370, C replaced by T.
Protein change: p.Gln124Ter; replaces glutamine 124 with a stop codon.
Molecular consequence: nonsense. On other transcripts: intron variant (2).
Genome position (GRCh38, 1-based): chrX:18,644,582, G>A on the plus strand (C>T on the coding strand, the complement: RS1 is on the minus strand). VCF-style: chrX-18644582-G-A. GRCh37 (hg19) VCF-style: chrX-18662702-G-A.
Other names: c.2714-1425G>A (NM_003159.3, NM_001037343.2); short protein forms Q124*.
Identifiers: ClinVar variation 1408493 (VCV001408493.6), dbSNP rs2147191361, ClinGen allele CA412372202.